The following is an entry in ClinVar:

NC_000005.9:g.(?_80160622)_(80160771_?)del

Gene: MSH3 (mutS homolog 3; plus strand). Cytogenetic location: 5q14.1.
Variant type: Deletion.
Identifiers: ClinVar variation 1458890 (VCV001458890.6).

ClinVar aggregate classification (germline): Pathogenic (1 of 4 stars; one submission).

Submission:

Labcorp Genetics (formerly Invitae), Labcorp
Classification: Pathogenic. Last evaluated: 2023-08-07. Review status: criteria provided, single submitter. Criteria: Invitae Variant Classification Sherloc (09022015). Collection method: clinical testing. Allele origin: germline.
Comment: For these reasons, this variant has been classified as Pathogenic. This variant has not been reported in the literature in individuals affected with MSH3-related conditions. This variant is a gross deletion of the genomic region encompassing exon(s) 22 of the MSH3 gene. This deletion is out-of-frame, and is expected to create a premature termination codon and result in an absent or disrupted protein product. Loss-of-function variants in MSH3 are known to be pathogenic (PMID: 27476653).

Literature cited by the submitters: PubMed 27476653.